The following is an entry in ClinVar:

NM_000135.4(FANCA):c.2778+7_2778+36del

Gene: FANCA (FA complementation group A; minus strand). Cytogenetic location: 16q24.3.
Variant type: Deletion.
Coding change: c.2778+7_2778+36del on transcript NM_000135.4 (MANE Select); bases 7 to 36 of the intron after coding-DNA position 2778, 30 bases deleted (GACCGTTCCTTCTCCTGCATCATGCCACGT).
Molecular consequence: intron variant.
Genome position (GRCh38, 1-based): chr16:89,764,854-89,764,883, ACGTGGCATGATGCAGGAGAAGGAACGGTC deleted on the plus strand (GACCGTTCCTTCTCCTGCATCATGCCACGT on the coding strand, the reverse complement: FANCA is on the minus strand); deleting any 30 consecutive bases within chr16:89,764,854-89,764,885 gives the same sequence; the c. name uses the placement nearest the transcript's 3' end. VCF-style (leftmost placement, unchanged base first): chr16-89764853-GACGTGGCATGATGCAGGAGAAGGAACGGTC-G. GRCh37 (hg19) VCF-style: chr16-89831261-GACGTGGCATGATGCAGGAGAAGGAACGGTC-G.
Other names: c.2778+7_2778+36del30 (NM_000135.2); c.2778+7_2778+36del (NM_001286167.3).
Identifiers: ClinVar variation 1138625 (VCV001138625.10), dbSNP rs1253945933, ClinGen allele CA725767259.

ClinVar aggregate classification (germline): Conflicting classifications of pathogenicity. Review status: criteria provided, conflicting classifications (1 of 4 stars). 2 submissions from 2 submitters: Uncertain significance (1); Likely benign (1). Last evaluated 2025-07-29.

Conditions:
Fanconi anemia (FA). Also called: Fanconi's anemia. Identifiers: Orphanet 84, MedGen C0015625, MeSH D005199, MONDO:0019391.

Submissions (2):

Labcorp Genetics (formerly Invitae), Labcorp
Classification: Likely benign for Fanconi anemia. Last evaluated: 2025-07-29. Review status: criteria provided, single submitter. Criteria: Invitae Variant Classification Sherloc (09022015). Collection method: clinical testing. Allele origin: germline.

Mayo Clinic Laboratories, Mayo Clinic
Classification: Uncertain significance. Last evaluated: 2023-01-12. Review status: criteria provided, single submitter. Criteria: ACMG Guidelines, 2015. Collection method: clinical testing. Allele origin: germline. Observed: 1 variant allele.
Comment: PM2